The following is an entry in ClinVar:

ClinVar aggregate classification (germline): Conflicting classifications of pathogenicity. Review status: criteria provided, conflicting classifications (1 of 4 stars). 4 submissions from 4 submitters: Uncertain significance (1); Likely benign (2). 1 of the submissions does not count toward it. Last evaluated 2025-04-29.

Conditions:
ALK-related disorder. Also called: ALK-related condition.
Hereditary cancer-predisposing syndrome. Also called: Neoplastic Syndromes, Hereditary; Hereditary neoplastic syndrome; Hereditary Cancer Syndrome; Tumor predisposition. Identifiers: Orphanet 140162, MedGen C0027672, MeSH D009386, MONDO:0015356.
Neuroblastoma, susceptibility to, 3. Also called: ALK-Related Neuroblastic Tumor Susceptibility. Identifiers: Orphanet 635, MedGen C2751681, MONDO:0013083, OMIM 613014.

Allele frequency attached by ClinVar (database versions not stated): gnomAD exomes below 0.00001; gnomAD 0.00001; TOPMed 0.00001.
gnomAD v4.1: 7 of 1,614,100 alleles (0.00043%); highest among the groups gnomAD compares: Non-Finnish European, 0.00059%; no homozygotes.

Submissions (4):

Labcorp Genetics (formerly Invitae), Labcorp
Classification: Likely benign for Neuroblastoma, susceptibility to, 3. Last evaluated: 2025-04-29. Review status: criteria provided, single submitter. Criteria: Invitae Variant Classification Sherloc (09022015). Collection method: clinical testing. Allele origin: germline.

GeneDx
Classification: Uncertain significance. Last evaluated: 2024-05-05. Review status: criteria provided, single submitter. Criteria: GeneDx Variant Classification Process June 2021. Collection method: clinical testing. Allele origin: germline. Affected: yes.
Comment: In silico analysis indicates that this variant does not alter splicing; Has not been previously published as pathogenic or benign to our knowledge

Ambry Genetics
Classification: Likely benign for Hereditary cancer-predisposing syndrome. Last evaluated: 2022-09-20. Review status: criteria provided, single submitter. Criteria: Ambry Variant Classification Scheme 2023. Collection method: clinical testing. Allele origin: germline.

PreventionGenetics, part of Exact Sciences
Classification: Likely benign for ALK-related condition. Last evaluated: 2022-12-21. Review status: no assertion criteria provided. Collection method: clinical testing. Allele origin: germline. Not counted in ClinVar's aggregate classification.
Comment: This variant is classified as likely benign based on ACMG/AMP sequence variant interpretation guidelines (Richards et al. 2015 PMID: 25741868, with internal and published modifications).

NM_004304.5(ALK):c.1096C>T (p.Leu366=)

Gene: ALK (ALK receptor tyrosine kinase; minus strand). Cytogenetic location: 2p23.2.
Variant type: single nucleotide variant.
Coding change: c.1096C>T on transcript NM_004304.5 (MANE Select); coding-DNA position 1096, C replaced by T.
Protein change: p.Leu366=; no amino-acid change (leucine 366 retained).
Molecular consequence: synonymous variant.
Genome position (GRCh38, 1-based): chr2:29,531,973, G>A on the plus strand (C>T on the coding strand, the complement: ALK is on the minus strand). VCF-style: chr2-29531973-G-A. GRCh37 (hg19) VCF-style: chr2-29754839-G-A.
Identifiers: ClinVar variation 1082159 (VCV001082159.14), dbSNP rs1450281991, ClinGen allele CA425517454.